The following is an entry in ClinVar:

NM_001942.4(DSG1):c.2135G>A (p.Arg712His)

Genes: DSG1 (desmoglein 1; plus strand), DSG1-AS1 (DSG1 antisense RNA 1; minus strand), LOC126862720 (MED14-independent group 3 enhancer GRCh37_chr18:28933613-28934812; plus strand). Cytogenetic location: 18q12.1.
Variant type: single nucleotide variant.
Coding change: c.2135G>A on transcript NM_001942.4 (MANE Select); coding-DNA position 2135, G replaced by A.
Protein change: p.Arg712His; replaces arginine 712 with histidine.
Molecular consequence: missense variant. On other transcripts: non-coding transcript variant (1).
Genome position (GRCh38, 1-based): chr18:31,354,331, G>A. VCF-style: chr18-31354331-G-A. GRCh37 (hg19) VCF-style: chr18-28934294-G-A.
Other names: c.2135G>A (NM_001942.2); short protein forms R712H.
Identifiers: ClinVar variation 1432562 (VCV001432562.9), dbSNP rs372022015, ClinGen allele CA8926289.
Genomic context (GRCh38, chr18:31,354,331, plus strand): 5'-ATTTTCTCTTTCTCCTATAAATTCAGAAAGCATATGCTTACGCAGATGAAGATGAAGGAC[G>A]CCCATCTAATGACTGTTTGCTCATATATGACATCGAAGGTGTAGGTTCCCCTGCTGGCTC-3'
Protein context (NP_001933.2, residues 702-722): AYAYADEDEG[Arg712His]PSNDCLLIYD

ClinVar aggregate classification (germline): Uncertain significance. Review status: criteria provided, multiple submitters, no conflicts (2 of 4 stars). 2 submissions from 2 submitters: Uncertain significance (2). Last evaluated 2025-11-05.

Conditions:
Inborn genetic diseases. Identifiers: MedGen C0950123, MeSH D030342.

Allele frequency attached by ClinVar (database versions not stated): ESP Exome Variant Server 0.00015.
gnomAD v4.1: 66 of 1,614,056 alleles (0.0041%); highest among the groups gnomAD compares: Middle Eastern, 0.016%; no homozygotes.

Submissions (2):

Labcorp Genetics (formerly Invitae), Labcorp
Classification: Uncertain significance. Last evaluated: 2025-11-05. Review status: criteria provided, single submitter. Criteria: Invitae Variant Classification Sherloc (09022015). Collection method: clinical testing. Allele origin: germline.
Comment: This sequence change replaces arginine, which is basic and polar, with histidine, which is basic and polar, at codon 712 of the DSG1 protein (p.Arg712His). This variant is present in population databases (rs372022015, gnomAD 0.01%). This variant has not been reported in the literature in individuals affected with DSG1-related conditions. ClinVar contains an entry for this variant (Variation ID: 1432562). Invitae Evidence Modeling of protein sequence and biophysical properties (such as structural, functional, and spatial information, amino acid conservation, physicochemical variation, residue mobility, and thermodynamic stability) indicates that this missense variant is not expected to disrupt DSG1 protein function with a negative predictive value of 80%. In summary, the available evidence is currently insufficient to determine the role of this variant in disease. Therefore, it has been classified as a Variant of Uncertain Significance.

Ambry Genetics
Classification: Uncertain significance for Inborn genetic diseases. Last evaluated: 2024-09-03. Review status: criteria provided, single submitter. Criteria: Ambry Variant Classification Scheme 2023. Collection method: clinical testing. Allele origin: germline.